The following is an entry in ClinVar:

ClinVar aggregate classification (germline): Pathogenic (1 of 4 stars; one submission).

Conditions:
Polycystic kidney disease, adult type (PKD1). Also called: Polycystic Kidney Disease 1, Autosomal Dominant; Polycystic kidney disease 1; Polycystic kidney disease 1, severe; POLYCYSTIC KIDNEY DISEASE 1 WITH OR WITHOUT POLYCYSTIC LIVER DISEASE; POLYCYSTIC KIDNEY DISEASE, ADULT, TYPE I; Polycystic Kidney, Autosomal Dominant. Identifiers: MedGen C3149841, MONDO:0008263, OMIM 173900.

Submission:

Women's Health and Genetics/Laboratory Corporation of America, LabCorp
Classification: Pathogenic for Polycystic kidney disease, adult type. Last evaluated: 2026-04-21. Review status: criteria provided, single submitter. Criteria: LabCorp Variant Classification Summary - May 2015. Collection method: clinical testing. Allele origin: germline.
Comment: Variant summary: PKD1 c.4997G>A (p.Trp1666X) results in a premature termination codon, predicted to cause a truncation of the encoded protein or absence of the protein due to nonsense mediated decay, which are commonly known mechanisms for disease. The variant was absent in 247058 control chromosomes. c.4997G>A has been observed in individual(s) affected with Polycystic Kidney Disease 1 (example, Ndongo_2024). To our knowledge, no experimental evidence demonstrating an impact on protein function has been reported. No submitters have cited clinical-significance assessments for this variant to ClinVar. The following publication has been ascertained in the context of this evaluation (PMID: 38596265). Based on the evidence outlined above, the variant was classified as pathogenic.

Literature cited by the submitters: PubMed 38596265.

NM_001009944.3(PKD1):c.4997G>A (p.Trp1666Ter)

Gene: PKD1 (polycystin 1, transient receptor potential channel interacting; minus strand). Cytogenetic location: 16p13.3.
Variant type: single nucleotide variant.
Coding change: c.4997G>A on transcript NM_001009944.3 (MANE Select); coding-DNA position 4997, G replaced by A.
Protein change: p.Trp1666Ter; replaces tryptophan 1666 with a stop codon.
Molecular consequence: nonsense.
Genome position (GRCh38, 1-based): chr16:2,110,170, C>T on the plus strand (G>A on the coding strand, the complement: PKD1 is on the minus strand). VCF-style: chr16-2110170-C-T. GRCh37 (hg19) VCF-style: chr16-2160171-C-T.
Other names: c.4997G>A, p.Trp1666Ter (NM_000296.4); short protein forms W1666*.
Identifiers: ClinVar variation 4848345 (VCV004848345.1).